The following is an entry in ClinVar:

NM_004415.4(DSP):c.3789_3805del (p.Thr1264fs)

Gene: DSP (desmoplakin; plus strand). Cytogenetic location: 6p24.3.
Variant type: Deletion.
Coding change: c.3789_3805del on transcript NM_004415.4 (MANE Select); coding-DNA positions 3789 to 3805, 17 bases deleted (CACTGAGCAGCGAAGGC).
Protein change: p.Thr1264fs; shifts the reading frame from threonine 1264.
Molecular consequence: frameshift variant. On other transcripts: intron variant (1).
Genome position (GRCh38, 1-based): chr6:7,579,979-7,579,995, CACTGAGCAGCGAAGGC deleted; deleting any 17 consecutive bases within chr6:7,579,975-7,579,995 gives the same sequence; the c. name uses the placement nearest the transcript's 3' end. VCF-style (leftmost placement, unchanged base first): chr6-7579974-CAGGCCACTGAGCAGCGA-C. GRCh37 (hg19) VCF-style: chr6-7580207-CAGGCCACTGAGCAGCGA-C.
Other names: c.3789_3805del, p.Thr1264fs (NM_001319034.2); c.3582+207_3582+223del (NM_001008844.3); short protein forms T1264fs.
Identifiers: ClinVar variation 3075877 (VCV003075877.2), dbSNP rs2533925850, ClinGen allele CA2677234281.

ClinVar aggregate classification (germline): Likely pathogenic. Review status: criteria provided, multiple submitters, no conflicts (2 of 4 stars). 2 submissions from 2 submitters: Likely pathogenic (2). Last evaluated 2025-05-20.

Conditions:
Arrhythmogenic right ventricular cardiomyopathy (ARVD). Also called: Arrhythmogenic right ventricular dysplasia; Cardiomyopathy, ARVC; Arrhythmogenic cardiomyopathy; Arrhythmogenic Right Ventricular Cardiomyopathy (ARVC). Identifiers: Orphanet 247, MedGen C0349788, MeSH D019571, MONDO:0016587. Disease mechanism: loss of function. Inheritance: Various modes of inheritance.

Submissions (2):

Revvity Omics, Revvity
Classification: Likely pathogenic. Last evaluated: 2025-05-20. Review status: criteria provided, single submitter. Criteria: ACMG Guidelines, 2015. Collection method: clinical testing. Allele origin: germline.

Laboratory for Molecular Medicine, Mass General Brigham Personalized Medicine
Classification: Likely pathogenic for Arrhythmogenic right ventricular cardiomyopathy. Last evaluated: 2022-08-26. Review status: criteria provided, single submitter. Criteria: ACMG Guidelines, 2015. Collection method: clinical testing. Allele origin: germline.
Comment: The p.Thr1264SerfsX2 variant in DSP has not been previously identified in patients and was absent from large population studies. This variant is predicted to cause a frameshift, which alters the protein’s amino acid sequence beginning at position 1264 and lead to a premature termination codon 2 amino acids downstream. This alteration is then predicted to lead to a truncated or absent protein. Loss of function of the DSP gene is an established disease mechanism in autosomal dominant arrhythmogenic right ventricular cardiomyopathy (ARVC) and autosomal recessive Carvajal syndrome. DSP loss of function variants have also been reported in individuals with DCM. In summary, although additional studies are required to fully establish its clinical significance, this variant meets criteria to be classified as likely pathogenic for autosomal dominant ARVC and autosomal recessive Carvajal syndrome. ACMG/AMP criteria applied: PVS1, PM2_Supporting.